The following is an entry in ClinVar:

NM_001128840.3(CACNA1D):c.362G>A (p.Ser121Asn)

Gene: CACNA1D (calcium voltage-gated channel subunit alpha1 D; plus strand). Cytogenetic location: 3p21.1.
Variant type: single nucleotide variant.
Coding change: c.362G>A on transcript NM_001128840.3 (MANE Select); coding-DNA position 362, G replaced by A.
Protein change: p.Ser121Asn; replaces serine 121 with asparagine.
Molecular consequence: missense variant.
Genome position (GRCh38, 1-based): chr3:53,497,446, G>A. VCF-style: chr3-53497446-G-A. GRCh37 (hg19) VCF-style: chr3-53531473-G-A.
Other names: c.362G>A, p.Ser121Asn (NM_000720.4, NM_001128839.3); short protein forms S121N.
Identifiers: ClinVar variation 1376866 (VCV001376866.9), dbSNP rs776373174, ClinGen allele CA75053242.

ClinVar aggregate classification (germline): Uncertain significance. Review status: criteria provided, multiple submitters, no conflicts (2 of 4 stars). 2 submissions from 2 submitters: Uncertain significance (2). Last evaluated 2025-01-27.

Allele frequency attached by ClinVar (database versions not stated): gnomAD 0.00001; gnomAD exomes 0.00001 and 0.00002; TOPMed 0.00002.

Submissions (2):

Labcorp Genetics (formerly Invitae), Labcorp
Classification: Uncertain significance. Last evaluated: 2025-01-27. Review status: criteria provided, single submitter. Criteria: Invitae Variant Classification Sherloc (09022015). Collection method: clinical testing. Allele origin: germline.
Comment: This sequence change replaces serine, which is neutral and polar, with asparagine, which is neutral and polar, at codon 121 of the CACNA1D protein (p.Ser121Asn). This variant is present in population databases (rs776373174, gnomAD 0.009%). This variant has not been reported in the literature in individuals affected with CACNA1D-related conditions. ClinVar contains an entry for this variant (Variation ID: 1376866). Invitae Evidence Modeling of protein sequence and biophysical properties (such as structural, functional, and spatial information, amino acid conservation, physicochemical variation, residue mobility, and thermodynamic stability) indicates that this missense variant is not expected to disrupt CACNA1D protein function with a negative predictive value of 80%. In summary, the available evidence is currently insufficient to determine the role of this variant in disease. Therefore, it has been classified as a Variant of Uncertain Significance.

Women's Health and Genetics/Laboratory Corporation of America, LabCorp
Classification: Uncertain significance. Last evaluated: 2024-09-04. Review status: criteria provided, single submitter. Criteria: LabCorp Variant Classification Summary - May 2015. Collection method: clinical testing. Allele origin: germline.
Comment: Variant summary: CACNA1D c.362G>A (p.Ser121Asn) results in a conservative amino acid change in the encoded protein sequence. Four of five in-silico tools predict a benign effect of the variant on protein function. The variant allele was found at a frequency of 1.6e-05 in 251230 control chromosomes. The available data on variant occurrences in the general population are insufficient to allow any conclusion about variant significance. c.362G>A has been reported in the literature in at-least one individual affected with atrioventricular block and ventricular arrhythmias consistent with perinatal LQTS (example: Priest_2014). These report(s) do not provide unequivocal conclusions about association of the variant with Sinoatrial Node Dysfunction And Deafness. To our knowledge, no experimental evidence demonstrating an impact on protein function has been reported. The following publication has been ascertained in the context of this evaluation (PMID: 24973560). ClinVar contains an entry for this variant (Variation ID: 1376866). Based on the evidence outlined above, the variant was classified as uncertain significance.

Literature cited by the submitters: PubMed 24973560 (cited by Women's Health and Genetics/Laboratory Corporation of America, LabCorp).